The following is an entry in ClinVar:

NM_016562.4(TLR7):c.1576G>A (p.Gly526Arg)

Gene: TLR7 (toll like receptor 7; plus strand). Cytogenetic location: Xp22.2.
Variant type: single nucleotide variant.
Coding change: c.1576G>A on transcript NM_016562.4 (MANE Select); coding-DNA position 1576, G replaced by A.
Protein change: p.Gly526Arg; replaces glycine 526 with arginine.
Molecular consequence: missense variant.
Genome position (GRCh38, 1-based): chrX:12,887,084, G>A. VCF-style: chrX-12887084-G-A. GRCh37 (hg19) VCF-style: chrX-12905203-G-A.
Other names: short protein forms G526R.
Identifiers: ClinVar variation 2696197 (VCV002696197.3), dbSNP rs2518438415, ClinGen allele CA412407971.
Genomic context (GRCh38, chrX:12,887,084, plus strand): 5'-TTTTTTGTCAAGTCCTCTGATTTTCAGCATCTTTCTTTCCTCAAATGCCTGAATCTGTCA[G>A]GAAATCTCATTAGCCAAACTCTTAATGGCAGTGAATTCCAACCTTTAGCAGAGCTGAGAT-3'
Protein context (NP_057646.1, residues 516-536): LSFLKCLNLS[Gly526Arg]NLISQTLNGS

ClinVar aggregate classification (germline): Uncertain significance (1 of 4 stars; one submission).

Submission:

Labcorp Genetics (formerly Invitae), Labcorp
Classification: Uncertain significance. Last evaluated: 2024-01-25. Review status: criteria provided, single submitter. Criteria: Invitae Variant Classification Sherloc (09022015). Collection method: clinical testing. Allele origin: germline.
Comment: This sequence change replaces glycine, which is neutral and non-polar, with arginine, which is basic and polar, at codon 526 of the TLR7 protein (p.Gly526Arg). This variant is not present in population databases (gnomAD no frequency). This variant has not been reported in the literature in individuals affected with TLR7-related conditions. An algorithm developed to predict the effect of missense changes on protein structure and function (PolyPhen-2) suggests that this variant is likely to be disruptive. In summary, the available evidence is currently insufficient to determine the role of this variant in disease. Therefore, it has been classified as a Variant of Uncertain Significance.